The following is an entry in ClinVar:

ClinVar aggregate classification (germline): Uncertain significance. Review status: criteria provided, multiple submitters, no conflicts (2 of 4 stars). 2 submissions from 2 submitters: Uncertain significance (2). Last evaluated 2025-03-27.

Conditions:
Familial cancer of breast. Also called: BREAST CANCER, FAMILIAL; hereditary breast carcinoma; Hereditary breast cancer. Identifiers: Orphanet 227535, MedGen C0346153, MONDO:0016419, OMIM 114480. Disease mechanism: loss of function.

Submissions (2):

Labcorp Genetics (formerly Invitae), Labcorp
Classification: Uncertain significance for Familial cancer of breast. Last evaluated: 2025-03-27. Review status: criteria provided, single submitter. Criteria: Invitae Variant Classification Sherloc (09022015). Collection method: clinical testing. Allele origin: germline.
Comment: This sequence change replaces glycine, which is neutral and non-polar, with serine, which is neutral and polar, at codon 1116 of the PALB2 protein (p.Gly1116Ser). This variant is not present in population databases (gnomAD no frequency). This variant has not been reported in the literature in individuals affected with PALB2-related conditions. ClinVar contains an entry for this variant (Variation ID: 2853557). An algorithm developed to predict the effect of missense changes on protein structure and function (PolyPhen-2) suggests that this variant is likely to be disruptive. In summary, the available evidence is currently insufficient to determine the role of this variant in disease. Therefore, it has been classified as a Variant of Uncertain Significance.

Center for Genomic Medicine, Rigshospitalet, Copenhagen University Hospital
Classification: Uncertain significance. Last evaluated: 2025-03-04. Review status: criteria provided, single submitter. Criteria: ACMG Guidelines, 2015. Collection method: clinical testing. Allele origin: germline.

NM_024675.4(PALB2):c.3346G>A (p.Gly1116Ser)

Gene: PALB2 (partner and localizer of BRCA2; minus strand). Cytogenetic location: 16p12.2.
Variant type: single nucleotide variant.
Coding change: c.3346G>A on transcript NM_024675.4 (MANE Select); coding-DNA position 3346, G replaced by A.
Protein change: p.Gly1116Ser; replaces glycine 1116 with serine.
Molecular consequence: missense variant. On other transcripts: intron variant (8).
Genome position (GRCh38, 1-based): chr16:23,607,868, C>T on the plus strand (G>A on the coding strand, the complement: PALB2 is on the minus strand). VCF-style: chr16-23607868-C-T. GRCh37 (hg19) VCF-style: chr16-23619189-C-T.
Other names: c.3286G>A, p.Gly1096Ser (NM_001407296.1); c.3274G>A, p.Gly1092Ser (NM_001407297.1); c.3184G>A, p.Gly1062Ser (NM_001407298.1); c.3067G>A, p.Gly1023Ser (NM_001407300.1); c.2461G>A, p.Gly821Ser (NM_001407304.1, NM_001407305.1, NM_001407306.1); c.2299G>A, p.Gly767Ser (NM_001407307.1); c.1558G>A, p.Gly520Ser (NM_001407312.1); c.880G>A, p.Gly294Ser (NM_001407314.1); and 6 more; short protein forms G1062S, G1092S, G1116S, G1096S, G294S, G520S, G767S, G1023S.
Identifiers: ClinVar variation 2853557 (VCV002853557.5), dbSNP rs2142271126, ClinGen allele CA395139225.
Genomic context (GRCh38, chr16:23,607,868, plus strand): 5'-TTGCACAGTGCCTTTCAGAATGTCCCACCCATAGAGTAGCAGTTATGCACACTTGCCTGC[C>T]AGCCTGCCCTGGAGGAAGACAGTACAGCATCACACCCACGCTGAGAGTCGTCTTAGGGTT-3'
Protein context (NP_078951.2, residues 1106-1126): MLYCLPPGQA[Gly1116Ser]RFLEGDVKDH